The following is an entry in ClinVar:

NM_024407.5(NDUFS7):c.343_352dup (p.Asp118fs)

Gene: NDUFS7 (NADH:ubiquinone oxidoreductase core subunit S7; plus strand). Cytogenetic location: 19p13.3.
Variant type: Duplication.
Coding change: c.343_352dup on transcript NM_024407.5 (MANE Select); coding-DNA positions 343 to 352, 10 bases duplicated (CGCCAGTCCG; older notation c.343_352dupCGCCAGTCCG).
Protein change: p.Asp118fs; shifts the reading frame from aspartic acid 118.
Molecular consequence: frameshift variant.
Genome position (GRCh38, 1-based): chr19:1,390,985-1,390,994, CGCCAGTCCG duplicated; duplicating any 10 consecutive bases within chr19:1,390,982-1,390,994 gives the same sequence; the c. name uses the placement nearest the transcript's 3' end. VCF-style (leftmost placement, unchanged base first): chr19-1390981-C-CCCGCGCCAGT. GRCh37 (hg19) VCF-style: chr19-1390980-C-CCCGCGCCAGT.
Other names: c.343_352dup, p.Asp118fs (NM_001363602.2); short protein forms D118fs.
Identifiers: ClinVar variation 3022568 (VCV003022568.4), dbSNP rs2512210872, ClinGen allele CA2740091840.

ClinVar aggregate classification (germline): Pathogenic/Likely pathogenic. Review status: criteria provided, multiple submitters, no conflicts (2 of 4 stars). 2 submissions from 2 submitters: Pathogenic (1); Likely pathogenic (1). Last evaluated 2024-06-14.

Conditions:
Mitochondrial complex I deficiency, nuclear type 3. Also called: Mitochondrial complex 1 deficiency, nuclear type 3. Identifiers: MedGen C4748752, MONDO:0032608, OMIM 618224.

Submissions (2):

Fulgent Genetics
Classification: Likely pathogenic for Mitochondrial complex I deficiency, nuclear type 3. Last evaluated: 2024-06-14. Review status: criteria provided, single submitter. Criteria: ACMG Guidelines, 2015. Collection method: clinical testing. Allele origin: germline.

Labcorp Genetics (formerly Invitae), Labcorp
Classification: Pathogenic. Last evaluated: 2024-01-11. Review status: criteria provided, single submitter. Criteria: Invitae Variant Classification Sherloc (09022015). Collection method: clinical testing. Allele origin: germline.
Comment: This sequence change results in a frameshift in the NDUFS7 gene (p.Asp118Alafs*?). While this is not anticipated to result in nonsense mediated decay, it is expected to disrupt the last 96 amino acid(s) of the NDUFS7 protein and extend the protein by an uncertain number of additional additional amino acid residues. This variant is not present in population databases (gnomAD no frequency). This variant has not been reported in the literature in individuals affected with NDUFS7-related conditions. This variant disrupts a region of the NDUFS7 protein in which other variant(s) (p.Val122Met) have been determined to be pathogenic (PMID: 10330338, 10360771, 11004438, 30369941). This suggests that this is a clinically significant region of the protein, and that variants that disrupt it are likely to be disease-causing. For these reasons, this variant has been classified as Pathogenic.

Literature cited by the submitters: PubMed 10330338 (cited by Labcorp Genetics (formerly Invitae), Labcorp); PubMed 10360771 (cited by Labcorp Genetics (formerly Invitae), Labcorp); PubMed 11004438 (cited by Labcorp Genetics (formerly Invitae), Labcorp); PubMed 30369941 (cited by Labcorp Genetics (formerly Invitae), Labcorp).